The following is an entry in ClinVar:

NC_000007.13:g.(?_82582221)_(82593642_?)del

Gene: PCLO (piccolo presynaptic cytomatrix protein; minus strand). Cytogenetic location: 7q21.11.
Variant type: Deletion.
Identifiers: ClinVar variation 1345395 (VCV001345395.4).

ClinVar aggregate classification (germline): Likely pathogenic (1 of 4 stars; one submission).

Submission:

Labcorp Genetics (formerly Invitae), Labcorp
Classification: Likely pathogenic. Last evaluated: 2021-04-02. Review status: criteria provided, single submitter. Criteria: Invitae Variant Classification Sherloc (09022015). Collection method: clinical testing. Allele origin: germline.
Comment: In summary, the currently available evidence indicates that the variant is pathogenic, but additional data are needed to prove that conclusively. Therefore, this variant has been classified as Likely Pathogenic. This variant has not been reported in the literature in individuals with PCLO-related conditions. This variant results in the deletion of part of exon 5 (c.4017+1445_8048del) of the PCLO gene. It is expected to disrupt RNA splicing. Variants that disrupt the donor or acceptor splice site typically lead to a loss of protein function (PMID: 16199547), and loss-of-function variants in PCLO are known to be pathogenic (PMID: 25832664, 30287594).

Literature cited by the submitters: PubMed 16199547; PubMed 25832664; PubMed 30287594.